The following is an entry in ClinVar:

ClinVar aggregate classification (germline): Uncertain significance (1 of 4 stars; one submission).

Allele frequency attached by ClinVar (database versions not stated): gnomAD exomes below 0.00001; ExAC 0.00001; gnomAD 0.00001.
gnomAD v4.1: 6 of 1,613,996 alleles (0.00037%); highest among the groups gnomAD compares: South Asian, 0.0011%; no homozygotes.

Submission:

Labcorp Genetics (formerly Invitae), Labcorp
Classification: Uncertain significance. Last evaluated: 2024-02-07. Review status: criteria provided, single submitter. Criteria: Invitae Variant Classification Sherloc (09022015). Collection method: clinical testing. Allele origin: germline.
Comment: This sequence change replaces arginine, which is basic and polar, with glutamine, which is neutral and polar, at codon 1492 of the CACNA1D protein (p.Arg1492Gln). This variant is present in population databases (rs781726820, gnomAD 0.003%). This missense change has been observed in individual(s) with CACNA1D-related conditions (PMID: 32561571). This variant is also known as c.4370G>A, p.Arg1457Gln. ClinVar contains an entry for this variant (Variation ID: 1934835). Advanced modeling of protein sequence and biophysical properties (such as structural, functional, and spatial information, amino acid conservation, physicochemical variation, residue mobility, and thermodynamic stability) performed at Invitae indicates that this missense variant is expected to disrupt CACNA1D protein function with a positive predictive value of 80%. In summary, the available evidence is currently insufficient to determine the role of this variant in disease. Therefore, it has been classified as a Variant of Uncertain Significance.

Literature cited by the submitters: PubMed 32561571.

NM_001128840.3(CACNA1D):c.4415G>A (p.Arg1472Gln)

Gene: CACNA1D (calcium voltage-gated channel subunit alpha1 D; plus strand). Cytogenetic location: 3p21.1.
Variant type: single nucleotide variant.
Coding change: c.4415G>A on transcript NM_001128840.3 (MANE Select); coding-DNA position 4415, G replaced by A.
Protein change: p.Arg1472Gln; replaces arginine 1472 with glutamine.
Molecular consequence: missense variant.
Genome position (GRCh38, 1-based): chr3:53,776,655, G>A. VCF-style: chr3-53776655-G-A. GRCh37 (hg19) VCF-style: chr3-53810682-G-A.
Other names: c.4475G>A, p.Arg1492Gln (NM_000720.4); c.4370G>A, p.Arg1457Gln (NM_001128839.3); short protein forms R1457Q, R1472Q, R1492Q.
Identifiers: ClinVar variation 1934835 (VCV001934835.5), dbSNP rs781726820, ClinGen allele CA2454883.